The following is an entry in ClinVar:

NM_000548.5(TSC2):c.95A>G (p.Glu32Gly)

Gene: TSC2 (TSC complex subunit 2; plus strand). Cytogenetic location: 16p13.3.
Variant type: single nucleotide variant.
Coding change: c.95A>G on transcript NM_000548.5 (MANE Select); coding-DNA position 95, A replaced by G.
Protein change: p.Glu32Gly; replaces glutamic acid 32 with glycine.
Molecular consequence: missense variant. On other transcripts: 5 prime UTR variant (1), intron variant (1).
Genome position (GRCh38, 1-based): chr16:2,048,710, A>G. VCF-style: chr16-2048710-A-G. GRCh37 (hg19) VCF-style: chr16-2098711-A-G.
Other names: c.95A>G, p.Glu32Gly (NM_001077183.3, NM_001114382.3, NM_001318827.2 and 4 more transcripts); c.-132A>G (NM_001318831.2); c.128A>G, p.Glu43Gly (NM_001318832.2); c.-10+645A>G (NM_001318829.2); short protein forms E43G, E32G.
Identifiers: ClinVar variation 863431 (VCV000863431.13), dbSNP rs1482573368, ClinGen allele CA394301421.
Genomic context (GRCh38, chr16:2,048,710, plus strand): 5'-AGGAGAAGTTTAAGATTCTGTTGGGACTGGGAACACCGAGGCCAAATCCCAGGTCTGCAG[A>G]GGGTAAACAGACGGAGTTTATCATCACCGCGGAAATACTGAGAGTGAGTGAGCTACCTGT-3'
Protein context (NP_000539.2, residues 22-42): GTPRPNPRSA[Glu32Gly]GKQTEFIITA

ClinVar aggregate classification (germline): Conflicting classifications of pathogenicity. Review status: criteria provided, conflicting classifications (1 of 4 stars). 2 submissions from 2 submitters: Uncertain significance (1); Benign (1). Last evaluated 2025-04-29.

Conditions:
Tuberous sclerosis 2 (TSC2). Identifiers: Orphanet 805, MedGen C1860707, MONDO:0013199, OMIM 613254.
Hereditary cancer-predisposing syndrome. Also called: Tumor predisposition; Hereditary Cancer Syndrome; Neoplastic Syndromes, Hereditary; Hereditary neoplastic syndrome. Identifiers: Orphanet 140162, MedGen C0027672, MeSH D009386, MONDO:0015356.

Allele frequency attached by ClinVar (database versions not stated): gnomAD exomes below 0.00001; gnomAD 0.00001.
gnomAD v4.1: 4 of 1,613,952 alleles (0.00025%); highest among the groups gnomAD compares: East Asian, 0.0022%; no homozygotes.

Submissions (2):

Labcorp Genetics (formerly Invitae), Labcorp
Classification: Benign for Tuberous sclerosis 2. Last evaluated: 2025-04-29. Review status: criteria provided, single submitter. Criteria: Invitae Variant Classification Sherloc (09022015). Collection method: clinical testing. Allele origin: germline.

Ambry Genetics
Classification: Uncertain significance for Hereditary cancer-predisposing syndrome. Last evaluated: 2025-03-23. Review status: criteria provided, single submitter. Criteria: Ambry Variant Classification Scheme 2023. Collection method: clinical testing. Allele origin: germline.
Comment: The p.E32G variant (also known as c.95A>G), located in coding exon 1 of the TSC2 gene, results from an A to G substitution at nucleotide position 95. The glutamic acid at codon 32 is replaced by glycine, an amino acid with similar properties. This amino acid position is well conserved in available vertebrate species. In addition, the in silico prediction for this alteration is inconclusive. Since supporting evidence is limited at this time, the clinical significance of this alteration remains unclear.